The following is an entry in ClinVar:

NM_022356.4(P3H1):c.2209T>C (p.Ter737Arg)

Gene: P3H1 (prolyl 3-hydroxylase 1; minus strand). Cytogenetic location: 1p34.2.
Variant type: single nucleotide variant.
Coding change: c.2209T>C on transcript NM_022356.4 (MANE Select); coding-DNA position 2209, T replaced by C.
Protein change: p.Ter737Arg.
Molecular consequence: stop lost. On other transcripts: 3 prime UTR variant (2).
Genome position (GRCh38, 1-based): chr1:42,746,699, A>G on the plus strand (T>C on the coding strand, the complement: P3H1 is on the minus strand). VCF-style: chr1-42746699-A-G. GRCh37 (hg19) VCF-style: chr1-43212370-A-G.
Other names: c.*134T>C (NM_001146289.2); c.*213T>C (NM_001243246.2).
Identifiers: ClinVar variation 2431638 (VCV002431638.1), dbSNP rs2524393990, ClinGen allele CA339949965.

ClinVar aggregate classification (germline): Uncertain significance (1 of 4 stars; one submission).

Conditions:
Osteogenesis imperfecta type 8 (OI8). Identifiers: MedGen C1970458, MONDO:0012581, OMIM 610915.

Submission:

Laboratorio de Genetica e Diagnostico Molecular, Hospital Israelita Albert Einstein
Classification: Uncertain significance for Osteogenesis imperfecta type 8. Last evaluated: 2022-08-31. Review status: criteria provided, single submitter. Criteria: ACMG Guidelines, 2015. Collection method: clinical testing. Allele origin: germline. Affected: yes. Observed: 1 variant allele.
Comment: ACMG classification criteria: PM2 moderated, PM4